The following is an entry in ClinVar:

ClinVar aggregate classification (germline): Likely benign. Review status: criteria provided, single submitter (1 of 4 stars). 2 submissions from 2 submitters: Likely benign (1). 1 of the submissions does not count toward it. Last evaluated 2025-10-01.

Conditions:
SLC39A5-related disorder. Also called: SLC39A5-related condition.

Allele frequency attached by ClinVar (database versions not stated): 1000 Genomes Project 30x 0.00047; 1000 Genomes Project 0.00060; ESP Exome Variant Server 0.00077; gnomAD exomes 0.00130; gnomAD 0.00139; TOPMed 0.00152; ExAC 0.00168.
gnomAD v4.1: 2,241 of 1,613,930 alleles (0.14%); highest among the groups gnomAD compares: Middle Eastern, 0.84%; 18 homozygotes.

Submissions (2):

CeGaT Center for Human Genetics Tuebingen
Classification: Likely benign. Last evaluated: 2025-10-01. Review status: criteria provided, single submitter. Criteria: CeGaT Center For Human Genetics Tuebingen Variant Classification Criteria Version 2. Collection method: clinical testing. Allele origin: germline. Affected: yes. Observed: 3 variant alleles.
Comment: SLC39A5: BS2

PreventionGenetics, part of Exact Sciences
Classification: Benign for SLC39A5-related condition. Last evaluated: 2019-11-11. Review status: no assertion criteria provided. Collection method: clinical testing. Allele origin: germline. Not counted in ClinVar's aggregate classification.
Comment: This variant is classified as benign based on ACMG/AMP sequence variant interpretation guidelines (Richards et al. 2015 PMID: 25741868, with internal and published modifications).

NM_173596.3(SLC39A5):c.1367G>C (p.Gly456Ala)

Gene: SLC39A5 (solute carrier family 39 member 5; plus strand). Cytogenetic location: 12q13.3.
Variant type: single nucleotide variant.
Coding change: c.1367G>C on transcript NM_173596.3 (MANE Select); coding-DNA position 1367, G replaced by C.
Protein change: p.Gly456Ala; replaces glycine 456 with alanine.
Molecular consequence: missense variant.
Genome position (GRCh38, 1-based): chr12:56,237,228, G>C. VCF-style: chr12-56237228-G-C. GRCh37 (hg19) VCF-style: chr12-56631012-G-C.
Other names: c.1367G>C, p.Gly456Ala (NM_001135195.2); short protein forms G456A.
Identifiers: ClinVar variation 2643089 (VCV002643089.25), dbSNP rs139208152, ClinGen allele CA6627414.